The following is an entry in ClinVar:

NM_001035.3(RYR2):c.3443G>A (p.Gly1148Asp)

Gene: RYR2 (ryanodine receptor 2; plus strand). Cytogenetic location: 1q43.
Variant type: single nucleotide variant.
Coding change: c.3443G>A on transcript NM_001035.3 (MANE Select); coding-DNA position 3443, G replaced by A.
Protein change: p.Gly1148Asp; replaces glycine 1148 with aspartic acid.
Molecular consequence: missense variant.
Genome position (GRCh38, 1-based): chr1:237,569,164, G>A. VCF-style: chr1-237569164-G-A. GRCh37 (hg19) VCF-style: chr1-237732464-G-A.
Other names: short protein forms G1148D.
Identifiers: ClinVar variation 3385705 (VCV003385705.1).

ClinVar aggregate classification (germline): Uncertain significance (1 of 4 stars; one submission).

Conditions:
Catecholaminergic polymorphic ventricular tachycardia (CVPT). Also called: Catecholamine-induced polymorphic ventricular tachycardia. Identifiers: Orphanet 3286, MedGen C5574922, MONDO:0017990.

gnomAD v4.1: 1 of 1,613,736 alleles (0.000062%); highest among the groups gnomAD compares: Non-Finnish European, 0.000085%; no homozygotes.

Submission:

All of Us Research Program, National Institutes of Health
Classification: Uncertain significance for Catecholaminergic polymorphic ventricular tachycardia. Last evaluated: 2024-03-05. Review status: criteria provided, single submitter. Criteria: ACMG Guidelines, 2015. Collection method: clinical testing. Allele origin: germline. Inheritance: Autosomal dominant inheritance. Observed: 1 variant allele, 1 heterozygote.
Comment: This study involves interpretation of variants in research participants for the purpose of population health screening. Participant phenotype was not available at the time of variant classification. Additional details can be found in publication PMID: 35346344, PMCID: PMC8962531